The following is an entry in ClinVar:

NC_000019.9:g.(?_33167170)_(33167877_?)del

Gene: RGS9BP (regulator of G protein signaling 9 binding protein; plus strand). Cytogenetic location: 19q13.11.
Variant type: Deletion.
Identifiers: ClinVar variation 2427779 (VCV002427779.4).

ClinVar aggregate classification (germline): Uncertain significance (1 of 4 stars; one submission).

Submission:

Labcorp Genetics (formerly Invitae), Labcorp
Classification: Uncertain significance. Last evaluated: 2022-05-03. Review status: criteria provided, single submitter. Criteria: Invitae Variant Classification Sherloc (09022015). Collection method: clinical testing. Allele origin: germline.
Comment: In summary, the available evidence is currently insufficient to determine the role of this variant in disease. Therefore, it has been classified as a Variant of Uncertain Significance. Isolated whole-gene deletion of RGS9BP have not been reported in the literature. However, larger copy number events that include this gene have been reported (PMID: 17698770). A gross deletion of the genomic region encompassing the full coding sequence of the RGS9BP gene has been identified. The current clinical and genetic evidence is not sufficient to establish whether loss-of-function variants in RGS9BP cause disease. The boundaries of this event are unknown as they extend beyond the assayed region for this gene and therefore may encompass additional genes.

Literature cited by the submitters: PubMed 17698770.